The following is an entry in ClinVar:

ClinVar aggregate classification (germline): Pathogenic. Review status: criteria provided, multiple submitters, no conflicts (2 of 4 stars). 7 submissions from 7 submitters: Pathogenic (7). Last evaluated 2026-06-01.

Conditions:
Baller-Gerold syndrome (BGS). Also called: CRANIOSYNOSTOSIS WITH RADIAL DEFECTS. Identifiers: Orphanet 1225, MedGen C0265308, MONDO:0009039, OMIM 218600.
RECQL4-related disorder. Also called: RECQL4-related condition; RECQL4-related disorders.
Rapadilino syndrome. Identifiers: Orphanet 3021, MedGen C1849453, MONDO:0009955, OMIM 266280.
Rothmund-Thomson syndrome type 2 (RTS2). Identifiers: Orphanet 221016, MedGen C5203410, MONDO:0016369, OMIM 268400.

Submissions (7):

CeGaT Center for Human Genetics Tuebingen
Classification: Pathogenic. Last evaluated: 2026-06-01. Review status: criteria provided, single submitter. Criteria: CeGaT Center For Human Genetics Tuebingen Variant Classification Criteria Version 2. Collection method: clinical testing. Allele origin: germline. Affected: yes. Observed: 7 variant alleles.
Comment: RECQL4: PM3:Very Strong, PVS1, PM2:Supporting

PreventionGenetics, part of Exact Sciences
Classification: Pathogenic for RECQL4-related condition. Last evaluated: 2026-03-11. Review status: criteria provided, single submitter. Criteria: ACMG Guidelines, 2015. Collection method: clinical testing. Allele origin: germline.
Comment: The RECQL4 c.1568_1573delinsCCCCC variant is predicted to result in a frameshift and premature protein termination (p.Ser523Thrfs*35). In gnomAD the c.1568_1573delinsCCCCC variant appears as two separate allele calls (c.1568G>C and c.1573delT), however the two variants are reported to occur in cis (i.e. on the same allele). Both alleles are reported in 0.043% of alleles in individuals of European (Non-Finnish) descent in gnomAD. The c.1568_1573delinsCCCCC variant (also denoted as c.1568G>C;c.1573delT) has been reported in the compound heterozygous state with an additional variant in multiple individuals with Rothmund-Thomson syndrome (Suter et al. 2016. PubMed ID: 27247962; Salih et al. 2018. PubMed ID: 29367366; Colombo et al. 2018. PubMed ID: 29642415). This variant has not been reported in a large population database, indicating this variant is rare. Frameshift variants in RECQL4 are expected to be pathogenic. Taken together, this variant is interpreted as pathogenic.

Labcorp Genetics (formerly Invitae), Labcorp
Classification: Pathogenic for Baller-Gerold syndrome. Last evaluated: 2026-01-26. Review status: criteria provided, single submitter. Criteria: Invitae Variant Classification Sherloc (09022015). Collection method: clinical testing. Allele origin: germline.
Comment: This sequence change creates a premature translational stop signal (p.Ser523Thrfs*35) in the RECQL4 gene. It is expected to result in an absent or disrupted protein product. Loss-of-function variants in RECQL4 are known to be pathogenic (PMID: 12734318, 12952869). This variant is present in population databases (rs386833845, gnomAD 0.04%). This premature translational stop signal has been observed in individual(s) with RAPADILINO, Baller-Gerold syndrome, and Rothmund–Thomson syndrome (PMID: 10678659, 12838562, 15897384, 15964893, 18716613, 20113479, 29367366, 31829210). In at least one individual the data is consistent with being in trans (on the opposite chromosome) from a pathogenic variant. This variant is also known as g.2886delT. ClinVar contains an entry for this variant (Variation ID: 6066). For these reasons, this variant has been classified as Pathogenic.

GeneDx
Classification: Pathogenic. Last evaluated: 2025-12-18. Review status: criteria provided, single submitter. Criteria: GeneDx Variant Classification Process June 2021. Collection method: clinical testing. Allele origin: germline. Affected: yes.
Comment: Frameshift variant predicted to result in protein truncation or nonsense mediated decay in a gene for which loss-of-function is a known mechanism of disease; Also known as c.1573delT; This variant is associated with the following publications: (PMID: 39315607, 33660851, 29642415, 29367366, 27247962, 15964893, 15897384, 12838562, 12734318, 10678659, 18616953, 20113479, 31829210, 40485636, 18716613)

First Genomix Gene Laboratory, Genetic Diagnostics Department
Classification: Pathogenic for Baller-Gerold syndrome; Rapadilino syndrome; Rothmund-Thomson syndrome type 2. Last evaluated: 2025-08-21. Review status: criteria provided, single submitter. Criteria: ACMG Guidelines, 2015. Collection method: clinical testing. Allele origin: germline. Inheritance: Autosomal recessive inheritance. Affected: no. Observed: 1 variant allele.

St. Jude Molecular Pathology, St. Jude Children's Research Hospital
Classification: Pathogenic for Rothmund-Thomson syndrome type 2. Last evaluated: 2024-07-15. Review status: criteria provided, single submitter. Criteria: St. Jude Assertion Criteria 2020. Collection method: clinical testing. Allele origin: germline.
Comment: The RECQL4 c.1568_1573delinsCCCCC (p.Ser523ThrfsTer35) change removes six nucleotides and inserts five nucleotides to cause a frameshift and the creation of a premature stop codon. This change is predicted to cause protein truncation or absence of the protein due to nonsense mediated decay. This variant, referred to as two variants in cis (c.1568G>C; c.1573delT), has been reported in the compound heterozygous state in individuals with RECQL4-related syndromes (PMID:18716613, 27247962, 29367366, 29642415). In summary, this variant meets criteria to be classified as pathogenic.

Women's Health and Genetics/Laboratory Corporation of America, LabCorp
Classification: Pathogenic for RECQL4-Related Disorders. Last evaluated: 2021-07-14. Review status: criteria provided, single submitter. Criteria: LabCorp Variant Classification Summary - May 2015. Collection method: clinical testing. Allele origin: germline.
Comment: Variant summary: RECQL4 c.1568_1573delinsCCCCC (p.Ser523ThrfsX35) results in a premature termination codon, predicted to cause a truncation of the encoded protein or absence of the protein due to nonsense mediated decay, which are commonly known mechanisms for disease. The variant allele was found at a frequency of 0.00025 in 276484 control chromosomes (gnomAD). c.1568_1573delinsCCCCC [described in the literature as two variants in cis: c.1568G>C (p.Ser523Thr) and c.1573delT (p.Cys525AlafsX33)] has been reported in multiple individuals affected with RECQL4-Related Disorders (e.g. Siitonen_2009, Suter_2016, Colombo_2018, Salih_2018). These data indicate that the variant is very likely to be associated with disease. Two ClinVar submitters (evaluation after 2014) cite the variant as pathogenic. Based on the evidence outlined above, the variant was classified as pathogenic.

Literature cited by the submitters: PubMed 12734318 (cited by Labcorp Genetics (formerly Invitae), Labcorp); PubMed 12952869 (cited by Labcorp Genetics (formerly Invitae), Labcorp); PubMed 10678659 (cited by Labcorp Genetics (formerly Invitae), Labcorp); PubMed 12838562 (cited by Labcorp Genetics (formerly Invitae), Labcorp); PubMed 15897384 (cited by Labcorp Genetics (formerly Invitae), Labcorp); PubMed 15964893 (cited by Labcorp Genetics (formerly Invitae), Labcorp); PubMed 18716613 (cited by Labcorp Genetics (formerly Invitae), Labcorp and Women's Health and Genetics/Laboratory Corporation of America, LabCorp); PubMed 20113479 (cited by Labcorp Genetics (formerly Invitae), Labcorp); PubMed 29367366 (cited by Labcorp Genetics (formerly Invitae), Labcorp and Women's Health and Genetics/Laboratory Corporation of America, LabCorp); PubMed 31829210 (cited by Labcorp Genetics (formerly Invitae), Labcorp); PubMed 29642415 (cited by Women's Health and Genetics/Laboratory Corporation of America, LabCorp); PubMed 27247962 (cited by Women's Health and Genetics/Laboratory Corporation of America, LabCorp).

NM_004260.4(RECQL4):c.1568_1573delinsCCCCC (p.Ser523fs)

Gene: RECQL4 (RecQ like helicase 4; minus strand). Cytogenetic location: 8q24.3.
Variant type: Indel.
Coding change: c.1568_1573delinsCCCCC on transcript NM_004260.4 (MANE Select); coding-DNA positions 1568 to 1573, GCCCCT replaced by CCCCC.
Protein change: p.Ser523fs; shifts the reading frame from serine 523.
Molecular consequence: frameshift variant.
Genome position (GRCh38, 1-based): chr8:144,514,983-144,514,988, AGGGGC replaced by GGGGG on the plus strand (GCCCCT replaced by CCCCC on the coding strand, the reverse complement: RECQL4 is on the minus strand). VCF-style: chr8-144514983-AGGGGC-GGGGG. GRCh37 (hg19) VCF-style: chr8-145740367-AGGGGC-GGGGG.
Other names: c.1568_1573delGCCCCTinsCCCCC (NM_004260.3); short protein forms S523fs.
Identifiers: ClinVar variation 407029 (VCV000407029.44), dbSNP rs1060501383, ClinGen allele CA16612532.